The following is an entry in ClinVar:

NM_001370100.5(ZMYND11):c.1700AGG[2] (p.Glu569del)

Gene: ZMYND11 (zinc finger MYND-type containing 11; plus strand). Cytogenetic location: 10p15.3.
Variant type: Microsatellite.
Coding change: c.1700AGG[2] on transcript NM_001370100.5 (MANE Select); two copies in a row of the 3-base unit AGG starting at c.1700; the reference has three copies in a row; one copy, 3 bases deleted.
Protein change: p.Glu569del; deletes glutamic acid 569.
Molecular consequence: non-coding transcript variant (on NR_163254.2).
Genome position (GRCh38, 1-based): chr10:252,367-252,369, AGG deleted; deleting any 3 consecutive bases within chr10:252,360-252,369 gives the same sequence; the position shown is the placement nearest the transcript's 3' end. VCF-style (leftmost placement, unchanged base first): chr10-252359-TGAG-T. GRCh37 (hg19) VCF-style: chr10-298299-TGAG-T.
Other names: c.1580AGG[2], p.Glu529del (NM_001370118.2); c.1553AGG[2], p.Glu520del (NM_001370119.2); c.1472AGG[2], p.Glu493del (NM_001370120.2); c.1418AGG[2], p.Glu475del (NM_001370121.2); c.1394AGG[2], p.Glu467del (NM_001370122.2); c.1343AGG[2], p.Glu450del (NM_001370123.2); c.1229AGG[2], p.Glu412del (NM_001370124.3); c.1700AGG[2], p.Glu569del (NM_006624.7, NM_001370097.3, NM_001370098.2 and 3 more transcripts); and 8 more; short protein forms E529del, E547del, E450del, E514del, E515del, E412del, E475del, E493del.
Identifiers: ClinVar variation 3659832 (VCV003659832.2).

ClinVar aggregate classification (germline): Uncertain significance (1 of 4 stars; one submission).

Submission:

Labcorp Genetics (formerly Invitae), Labcorp
Classification: Uncertain significance. Last evaluated: 2024-07-18. Review status: criteria provided, single submitter. Criteria: Invitae Variant Classification Sherloc (09022015). Collection method: clinical testing. Allele origin: germline.
Comment: This variant, c.1706_1708del, results in the deletion of 1 amino acid(s) of the ZMYND11 protein (p.Glu569del), but otherwise preserves the integrity of the reading frame. This variant is not present in population databases (gnomAD no frequency). This variant has not been reported in the literature in individuals affected with ZMYND11-related conditions. Experimental studies and prediction algorithms are not available or were not evaluated, and the functional significance of this variant is currently unknown. In summary, the available evidence is currently insufficient to determine the role of this variant in disease. Therefore, it has been classified as a Variant of Uncertain Significance.